The following is an entry in ClinVar:

ClinVar aggregate classification (germline): Conflicting classifications of pathogenicity. Review status: criteria provided, conflicting classifications (1 of 4 stars). 2 submissions from 2 submitters: Likely pathogenic (1); Uncertain significance (1). Last evaluated 2023-09-13.

Conditions:
Familial cancer of breast. Also called: Hereditary breast cancer; hereditary breast carcinoma; BREAST CANCER, FAMILIAL. Identifiers: Orphanet 227535, MedGen C0346153, MONDO:0016419, OMIM 114480. Disease mechanism: loss of function.

Submissions (2):

Myriad Genetics, Inc.
Classification: Likely pathogenic for Familial cancer of breast. Last evaluated: 2023-09-13. Review status: criteria provided, single submitter. Criteria: Myriad Autosomal Dominant, Autosomal Recessive and X-Linked Classification Criteria (2023). Collection method: clinical testing. Allele origin: unknown.
Comment: This variant is considered likely pathogenic. This variant occurs within a consensus splice junction and is predicted to result in abnormal mRNA splicing of either an out-of-frame exon or an in-frame exon necessary for protein stability and/or normal function.

Labcorp Genetics (formerly Invitae), Labcorp
Classification: Uncertain significance for Familial cancer of breast. Last evaluated: 2021-02-28. Review status: criteria provided, single submitter. Criteria: Invitae Variant Classification Sherloc (09022015). Collection method: clinical testing. Allele origin: germline.
Comment: This sequence change affects an acceptor splice site in intron 6 of the PALB2 gene. It is expected to disrupt RNA splicing. This variant is not present in population databases (ExAC no frequency). This variant has not been reported in the literature in individuals with PALB2-related conditions. ClinVar contains an entry for this variant (Variation ID: 634726). Experimental studies have shown that sequence changes at this splice site disrupt the consensus splice site and strengthen a cryptic acceptor site in intron 6, located 42 nucleotides upstream of the natural splice site. This results in an alternative transcript with an in-frame insertion of 14 amino acids in the linker region between b-strand 7D (residues 855-860) and b-strand 1A (residues 868-877), but otherwise preserves the integrity of the reading frame (PMID: 30890586). Also, this alternative transcript has been shown to occur naturally in healthy individuals (PMID: 30890586). These studies suggest that the clinical significance of this splice variant may be uncertain. In summary, the available evidence is currently insufficient to determine the role of this variant in disease. Therefore, it has been classified as a Variant of Uncertain Significance.

Literature cited by the submitters: PubMed 30890586 (cited by Labcorp Genetics (formerly Invitae), Labcorp).

NC_000016.10:g.23626399T>C

Gene: PALB2 (partner and localizer of BRCA2; minus strand). Cytogenetic location: 16p12.2.
Variant type: single nucleotide variant.
Genome position: GRCh38 VCF-style: chr16-23626399-T-C. GRCh37 (hg19) VCF-style: chr16-23637720-T-C.
Other names: c.2587-2A>G (LRG_308t1).
Identifiers: ClinVar variation 1513849 (VCV001513849.9), dbSNP rs1060502787, ClinGen allele CA395122290.